The following is an entry in ClinVar:

NM_000238.4(KCNH2):c.419_420delinsGT (p.Ser140Cys)

Gene: KCNH2 (potassium voltage-gated channel subfamily H member 2; minus strand). Cytogenetic location: 7q36.1.
Variant type: Indel.
Coding change: c.419_420delinsGT on transcript NM_000238.4 (MANE Select); coding-DNA positions 419 to 420, CC replaced by GT.
Protein change: p.Ser140Cys; replaces serine 140 with cysteine.
Molecular consequence: missense variant. On other transcripts: non-coding transcript variant (1).
Genome position (GRCh38, 1-based): chr7:150,959,624-150,959,625, GG replaced by AC on the plus strand (CC replaced by GT on the coding strand, the reverse complement: KCNH2 is on the minus strand). VCF-style: chr7-150959624-GG-AC. GRCh37 (hg19) VCF-style: chr7-150656712-GG-AC.
Other names: c.131_132delinsGT, p.Ser44Cys (NM_001406753.1, NM_001406756.1); c.242_243delinsGT, p.Ser81Cys (NM_001406755.1); c.119_120delinsGT, p.Ser40Cys (NM_001406757.1); c.419_420delinsGT, p.Ser140Cys (NM_172056.3); short protein forms S140C, S44C, S40C, S81C.
Identifiers: ClinVar variation 3659996 (VCV003659996.2).
Genomic context (GRCh38, chr7:150,959,624, plus strand): 5'-ACACTTACCTGGGGCCAGCCAGCTGGTGGGGGGGCCCCGGTGGTTGGTGTCATGAGCCGG[GG>AC]ACCCCACCATGTCCTTCTCCATCACCACCTCGAAATTGAGGATGAACATGATGACAGCCC-3'
Protein context (NP_000229.1, residues 130-150): EVVMEKDMVG[Ser140Cys]PAHDTNHRGP

ClinVar aggregate classification (germline): Uncertain significance (1 of 4 stars; one submission).

Conditions:
Long QT syndrome (LQTS). Identifiers: MedGen C0023976, MeSH D008133, MONDO:0002442. Disease mechanism: loss of function. Inheritance: Various modes of inheritance.

Submission:

Labcorp Genetics (formerly Invitae), Labcorp
Classification: Uncertain significance for Long QT syndrome. Last evaluated: 2024-07-20. Review status: criteria provided, single submitter. Criteria: Invitae Variant Classification Sherloc (09022015). Collection method: clinical testing. Allele origin: germline.
Comment: This sequence change replaces serine, which is neutral and polar, with cysteine, which is neutral and slightly polar, at codon 140 of the KCNH2 protein (p.Ser140Cys). Information on the frequency of this variant in the gnomAD database is not available, as this variant may be reported differently in the database. This variant has not been reported in the literature in individuals affected with KCNH2-related conditions. An algorithm developed to predict the effect of missense changes on protein structure and function (PolyPhen-2) suggests that this variant is likely to be tolerated. In summary, the available evidence is currently insufficient to determine the role of this variant in disease. Therefore, it has been classified as a Variant of Uncertain Significance.